The following is an entry in ClinVar:

ClinVar aggregate classification (germline): Pathogenic (1 of 4 stars; one submission).

Conditions:
Inborn genetic diseases. Identifiers: MedGen C0950123, MeSH D030342.

Submission:

Ambry Genetics
Classification: Pathogenic for Inborn genetic diseases. Last evaluated: 2024-05-30. Review status: criteria provided, single submitter. Criteria: Ambry Variant Classification Scheme 2023. Collection method: clinical testing. Allele origin: germline.
Comment: The c.638delG (p.G213Vfs*5) alteration, located in exon 6 (coding exon 6) of the SET gene, consists of a deletion of one nucleotide at position 638, causing a translational frameshift with a predicted alternate stop codon after 5 amino acids. This alteration is expected to result in loss of function by premature protein truncation or nonsense-mediated mRNA decay. This variant was not reported in population-based cohorts in the Genome Aggregation Database (gnomAD). Based on the available evidence, this alteration is classified as pathogenic.

NM_003011.4(SET):c.599del (p.Gly200fs)

Gene: SET (SET nuclear proto-oncogene; plus strand). Cytogenetic location: 9q34.11.
Variant type: Deletion.
Coding change: c.599del on transcript NM_003011.4 (MANE Select); coding-DNA position 599, one base deleted (G; older notation c.599delG).
Protein change: p.Gly200fs; shifts the reading frame from glycine 200.
Molecular consequence: frameshift variant.
Genome position (GRCh38, 1-based): chr9:128,693,744, G deleted; the last of 2 consecutive G bases (chr9:128,693,743-128,693,744); deleting either gives the same sequence. VCF-style (leftmost placement, unchanged base first): chr9-128693742-AG-A. GRCh37 (hg19) VCF-style: chr9-131456021-AG-A.
Other names: c.638del, p.Gly213fs (NM_001122821.2, NM_001374326.1); c.572del, p.Gly191fs (NM_001248000.2); c.566del, p.Gly189fs (NM_001248001.2); short protein forms G200fs, G191fs, G213fs, G189fs.
Identifiers: ClinVar variation 3317680 (VCV003317680.1).